The following is an entry in ClinVar:

ClinVar aggregate classification (germline): Uncertain significance (1 of 4 stars; one submission).

Allele frequency attached by ClinVar (database versions not stated): TOPMed below 0.00001.

Submission:

GeneDx
Classification: Uncertain significance. Last evaluated: 2022-04-06. Review status: criteria provided, single submitter. Criteria: GeneDx Variant Classification Process June 2021. Collection method: clinical testing. Allele origin: germline. Affected: yes.
Comment: Not observed at significant frequency in large population cohorts (gnomAD); In silico analysis supports that this missense variant does not alter protein structure/function; Has not been previously published as pathogenic or benign to our knowledge

NM_001128178.3(NPHP1):c.419A>G (p.Glu140Gly)

Gene: NPHP1 (nephrocystin 1; minus strand). Cytogenetic location: 2q13.
Variant type: single nucleotide variant.
Coding change: c.419A>G on transcript NM_001128178.3 (MANE Select); coding-DNA position 419, A replaced by G.
Protein change: p.Glu140Gly; replaces glutamic acid 140 with glycine.
Molecular consequence: missense variant.
Genome position (GRCh38, 1-based): chr2:110,169,909, T>C on the plus strand (A>G on the coding strand, the complement: NPHP1 is on the minus strand). VCF-style: chr2-110169909-T-C. GRCh37 (hg19) VCF-style: chr2-110927486-T-C.
Other names: c.419A>G, p.Glu140Gly (NM_000272.5, NM_001374256.1, NM_001374257.1 and 1 more transcripts); c.233A>G, p.Glu78Gly (NM_001128179.3); short protein forms E140G, E78G.
Identifiers: ClinVar variation 1708895 (VCV001708895.2), dbSNP rs1284403809, ClinGen allele CA348093008.